The following is an entry in ClinVar:

ClinVar aggregate classification (germline): Uncertain significance. Review status: criteria provided, multiple submitters, no conflicts (2 of 4 stars). 3 submissions from 3 submitters: Uncertain significance (3). Last evaluated 2025-06-02.

Conditions:
Tumor predisposition syndrome 3 (TPDS3). Also called: Glioma susceptibility 9; LONG TELOMERE SYNDROME, POT1-RELATED; POT1 Tumor Predisposition; Melanoma, cutaneous malignant, susceptibility to, 10. Identifiers: Orphanet 618, MedGen C4014476, MONDO:0014368, OMIM 615848.
Hereditary cancer-predisposing syndrome. Also called: Hereditary neoplastic syndrome; Hereditary Cancer Syndrome; Neoplastic Syndromes, Hereditary; Tumor predisposition. Identifiers: Orphanet 140162, MedGen C0027672, MeSH D009386, MONDO:0015356.

Submissions (3):

Ambry Genetics
Classification: Uncertain significance for Hereditary cancer-predisposing syndrome. Last evaluated: 2025-06-02. Review status: criteria provided, single submitter. Criteria: Ambry Variant Classification Scheme 2023. Collection method: clinical testing. Allele origin: germline.
Comment: The p.V612I variant (also known as c.1834G>A), located in coding exon 15 of the POT1 gene, results from a G to A substitution at nucleotide position 1834. The valine at codon 612 is replaced by isoleucine, an amino acid with highly similar properties. This amino acid position is well conserved in available vertebrate species. In addition, this alteration is predicted to be tolerated by in silico analysis. Since supporting evidence is limited at this time, the clinical significance of this alteration remains unclear.

Labcorp Genetics (formerly Invitae), Labcorp
Classification: Uncertain significance for Tumor predisposition syndrome 3. Last evaluated: 2024-06-15. Review status: criteria provided, single submitter. Criteria: Invitae Variant Classification Sherloc (09022015). Collection method: clinical testing. Allele origin: germline.
Comment: This sequence change replaces valine, which is neutral and non-polar, with isoleucine, which is neutral and non-polar, at codon 612 of the POT1 protein (p.Val612Ile). This variant is not present in population databases (gnomAD no frequency). This variant has not been reported in the literature in individuals affected with POT1-related conditions. ClinVar contains an entry for this variant (Variation ID: 475064). Advanced modeling of protein sequence and biophysical properties (such as structural, functional, and spatial information, amino acid conservation, physicochemical variation, residue mobility, and thermodynamic stability) performed at Invitae indicates that this missense variant is not expected to disrupt POT1 protein function with a negative predictive value of 80%. In summary, the available evidence is currently insufficient to determine the role of this variant in disease. Therefore, it has been classified as a Variant of Uncertain Significance.

GeneDx
Classification: Uncertain significance. Last evaluated: 2023-10-17. Review status: criteria provided, single submitter. Criteria: GeneDx Variant Classification Process June 2021. Collection method: clinical testing. Allele origin: germline. Affected: yes.
Comment: Not observed at significant frequency in large population cohorts (gnomAD); In silico analysis supports that this missense variant does not alter protein structure/function; Has not been previously published as pathogenic or benign to our knowledge

NM_015450.3(POT1):c.1834G>A (p.Val612Ile)

Gene: POT1 (protection of telomeres 1; minus strand). Cytogenetic location: 7q31.33.
Variant type: single nucleotide variant.
Coding change: c.1834G>A on transcript NM_015450.3 (MANE Select); coding-DNA position 1834, G replaced by A.
Protein change: p.Val612Ile; replaces valine 612 with isoleucine.
Molecular consequence: missense variant. On other transcripts: non-coding transcript variant (3).
Genome position (GRCh38, 1-based): chr7:124,824,033, C>T on the plus strand (G>A on the coding strand, the complement: POT1 is on the minus strand). VCF-style: chr7-124824033-C-T. GRCh37 (hg19) VCF-style: chr7-124464087-C-T.
Other names: c.1441G>A, p.Val481Ile (NM_001042594.2); short protein forms V612I, V481I.
Identifiers: ClinVar variation 475064 (VCV000475064.15), dbSNP rs1554414690, ClinGen allele CA369061203.